The following is an entry in ClinVar:

NM_145868.2(ANXA11):c.1005G>A (p.Gln335=)

Gene: ANXA11 (annexin A11; minus strand). Cytogenetic location: 10q22.3.
Variant type: single nucleotide variant.
Coding change: c.1005G>A on transcript NM_145868.2 (MANE Select); coding-DNA position 1005, G replaced by A.
Protein change: p.Gln335=; no amino-acid change (glutamine 335 retained).
Molecular consequence: synonymous variant.
Genome position (GRCh38, 1-based): chr10:80,163,558, C>T on the plus strand (G>A on the coding strand, the complement: ANXA11 is on the minus strand). VCF-style: chr10-80163558-C-T. GRCh37 (hg19) VCF-style: chr10-81923314-C-T.
Other names: c.1005G>A, p.Gln335= (NM_001157.3, NM_001278407.2, NM_001278408.2 and 1 more transcripts); c.906G>A, p.Gln302= (NM_001278409.2); c.1005G>A (NM_145869.1).
Identifiers: ClinVar variation 2419380 (VCV002419380.6), dbSNP rs765176261, ClinGen allele CA5575992.
Genomic context (GRCh38, chr10:80,163,558, plus strand): 5'-GCTTGGGGGCCCCGAGCCCTGTCGTGGGAAAAGTACCTGAGAGAGAGAGATGAGGAGCCG[C>T]TGGAAGTGCCCTGATGTGTCGCTTCGAATGGCCTCTTCCAGGGTCTTTTTGAATTCTGAA-3'
Protein context (NP_665875.1, residues 325-345): AIRSDTSGHF[Gln335=]RLLISLSQGN

ClinVar aggregate classification (germline): Conflicting classifications of pathogenicity. Review status: criteria provided, conflicting classifications (1 of 4 stars). 2 submissions from 2 submitters: Uncertain significance (1); Likely benign (1). Last evaluated 2025-10-07.

Conditions:
ANXA11-related disorder. Also called: ANXA11-related condition.

Allele frequency attached by ClinVar (database versions not stated): gnomAD exomes 0.00001; ExAC 0.00003; gnomAD 0.00003; TOPMed 0.00003.
gnomAD v4.1: 9 of 1,574,616 alleles (0.00057%); highest among the groups gnomAD compares: Admixed American, 0.015%; no homozygotes.

Submissions (2):

Labcorp Genetics (formerly Invitae), Labcorp
Classification: Likely benign. Last evaluated: 2025-10-07. Review status: criteria provided, single submitter. Criteria: Invitae Variant Classification Sherloc (09022015). Collection method: clinical testing. Allele origin: germline.

PreventionGenetics, part of Exact Sciences
Classification: Uncertain significance for ANXA11-related condition. Last evaluated: 2024-10-29. Review status: criteria provided, single submitter. Criteria: ACMG Guidelines, 2015. Collection method: clinical testing. Allele origin: germline.
Comment: The ANXA11 c.1005G>A variant is not predicted to result in an amino acid change (p.=). This variant is predicted to impact splicing based on splicing prediction programs (SpliceAI, Jaganathan et al. 2019. PubMed ID: 30661751). To our knowledge, this variant has not been reported in the literature. This variant is reported in 0.018% of alleles in individuals of Latino descent in gnomAD and has been interpreted as uncertain in ClinVar. At this time, the clinical significance of this variant is uncertain due to the absence of conclusive functional and genetic evidence.